The following is an entry in ClinVar:

ClinVar aggregate classification (germline): Pathogenic (1 of 4 stars; one submission).

Conditions:
Medium-chain acyl-coenzyme A dehydrogenase deficiency (ACADMD). Also called: Medium chain acyl-CoA dehydrogenase deficiency; MCADD; ACADM DEFICIENCY; CARNITINE DEFICIENCY SECONDARY TO MEDIUM-CHAIN ACYL-CoA DEHYDROGENASE DEFICIENCY; MCAD Deficiency; MCADH DEFICIENCY. Identifiers: Orphanet 42, MedGen C0220710, MONDO:0008721, OMIM 201450.

Submission:

Labcorp Genetics (formerly Invitae), Labcorp
Classification: Pathogenic for Medium-chain acyl-coenzyme A dehydrogenase deficiency. Last evaluated: 2022-08-04. Review status: criteria provided, single submitter. Criteria: Invitae Variant Classification Sherloc (09022015). Collection method: clinical testing. Allele origin: germline.
Comment: For these reasons, this variant has been classified as Pathogenic. This variant has not been reported in the literature in individuals affected with ACADM-related conditions. This variant is not present in population databases (gnomAD no frequency). This sequence change creates a premature translational stop signal (p.Lys279*) in the ACADM gene. It is expected to result in an absent or disrupted protein product. Loss-of-function variants in ACADM are known to be pathogenic (PMID: 16121256, 20434380).

Literature cited by the submitters: PubMed 16121256; PubMed 20434380.

NM_000016.6(ACADM):c.835A>T (p.Lys279Ter)

Gene: ACADM (acyl-CoA dehydrogenase medium chain; plus strand). Cytogenetic location: 1p31.1.
Variant type: single nucleotide variant.
Coding change: c.835A>T on transcript NM_000016.6 (MANE Select); coding-DNA position 835, A replaced by T.
Protein change: p.Lys279Ter; replaces lysine 279 with a stop codon.
Molecular consequence: nonsense.
Genome position (GRCh38, 1-based): chr1:75,749,545, A>T. VCF-style: chr1-75749545-A-T. GRCh37 (hg19) VCF-style: chr1-76215230-A-T.
Other names: c.847A>T, p.Lys283Ter (NM_001127328.3); c.727A>T, p.Lys243Ter (NM_001286042.2); c.934A>T, p.Lys312Ter (NM_001286043.2); c.268A>T, p.Lys90Ter (NM_001286044.2); short protein forms K279*, K312*, K90*, K243*, K283*.
Identifiers: ClinVar variation 2021513 (VCV002021513.4), dbSNP rs757004090, ClinGen allele CA340816809.